The following is an entry in ClinVar:

ClinVar aggregate classification (germline): Likely pathogenic (1 of 4 stars; one submission).

Submission:

Labcorp Genetics (formerly Invitae), Labcorp
Classification: Likely pathogenic. Last evaluated: 2022-08-28. Review status: criteria provided, single submitter. Criteria: Invitae Variant Classification Sherloc (09022015). Collection method: clinical testing. Allele origin: germline.
Comment: In summary, the currently available evidence indicates that the variant is pathogenic, but additional data are needed to prove that conclusively. Therefore, this variant has been classified as Likely Pathogenic. Algorithms developed to predict the effect of sequence changes on RNA splicing suggest that this variant may disrupt the consensus splice site. This variant has not been reported in the literature in individuals affected with UNC80-related conditions. This variant is not present in population databases (gnomAD no frequency). This sequence change affects an acceptor splice site in intron 7 of the UNC80 gene. It is expected to disrupt RNA splicing. Variants that disrupt the donor or acceptor splice site typically lead to a loss of protein function (PMID: 16199547), and loss-of-function variants in UNC80 are known to be pathogenic (PMID: 26545877, 26708751, 26708753).

Literature cited by the submitters: PubMed 16199547; PubMed 26545877; PubMed 26708751; PubMed 26708753.

NM_001371986.1(UNC80):c.939-1G>A

Gene: UNC80 (unc-80 subunit of NALCN channel complex; plus strand). Cytogenetic location: 2q34.
Variant type: single nucleotide variant.
Coding change: c.939-1G>A on transcript NM_001371986.1 (MANE Select); the canonical splice acceptor site of the intron before coding-DNA position 939, G replaced by A.
Molecular consequence: splice acceptor variant.
Genome position (GRCh38, 1-based): chr2:209,813,579, G>A. VCF-style: chr2-209813579-G-A. GRCh37 (hg19) VCF-style: chr2-210678303-G-A.
Other names: c.939-1G>A (NM_032504.2, NM_182587.4).
Identifiers: ClinVar variation 2027686 (VCV002027686.4), dbSNP rs2470957636, ClinGen allele CA350132701.